The following is an entry in ClinVar:

NM_000371.4(TTR):c.383C>T (p.Ala128Val)

Gene: TTR (transthyretin; plus strand). Cytogenetic location: 18q12.1.
Variant type: single nucleotide variant.
Coding change: c.383C>T on transcript NM_000371.4 (MANE Select); coding-DNA position 383, C replaced by T.
Protein change: p.Ala128Val; replaces alanine 128 with valine.
Molecular consequence: missense variant.
Genome position (GRCh38, 1-based): chr18:31,598,614, C>T. VCF-style: chr18-31598614-C-T. GRCh37 (hg19) VCF-style: chr18-29178577-C-T.
Other names: short protein forms A128V.
Identifiers: ClinVar variation 1803551 (VCV001803551.9), dbSNP rs1162409162, ClinGen allele CA402158205.

ClinVar aggregate classification (germline): Uncertain significance. Review status: criteria provided, multiple submitters, no conflicts (2 of 4 stars). 4 submissions from 4 submitters: Uncertain significance (4). Last evaluated 2024-01-23.

Conditions:
Amyloidosis, hereditary systemic 1 (AMYLD1). Also called: Hereditary oculoleptomeningeal amyloid angiopathy; Familial Transthyretin Amyloidosis; Hereditary Transthyretin Amyloidosis; Isolated Cardiac Amyloidosis; Amyloid Cardiomyopathy, Transthyretin-related; Familial amyloid polyneuropathy. Identifiers: Orphanet 85447, Orphanet 85451, MedGen C2751492, MONDO:0971004, OMIM 105210.
Cardiovascular phenotype. Identifiers: MedGen CN230736.

Allele frequency attached by ClinVar (database versions not stated): gnomAD 0.00001.
gnomAD v4.1: 1 of 1,614,098 alleles (0.000062%); highest among the groups gnomAD compares: Admixed American, 0.0017%; no homozygotes.

Submissions (4):

Athena Diagnostics
Classification: Uncertain significance. Last evaluated: 2024-01-23. Review status: criteria provided, single submitter. Criteria: Athena Diagnostics Criteria. Collection method: clinical testing. Allele origin: unknown.
Comment: Available data are insufficient to determine the clinical significance of the variant at this time. The frequency of this variant in the general population is uninformative in assessment of its pathogenicity. Assessment of experimental evidence regarding the effect of this variant on protein function suggests it has no effect relevant to disease. (PMID: 28338000)

Ambry Genetics
Classification: Uncertain significance for Cardiovascular phenotype. Last evaluated: 2023-04-20. Review status: criteria provided, single submitter. Criteria: Ambry Variant Classification Scheme 2023. Collection method: clinical testing. Allele origin: germline.
Comment: The p.A128V variant (also known as c.383C>T), located in coding exon 4 of the TTR gene, results from a C to T substitution at nucleotide position 383. The alanine at codon 128 is replaced by valine, an amino acid with similar properties. This alteration has been reported in an individual with mild sensory neuropathy, and an in vitro study showed this alteration may not impact protein function (Sant'Anna R et al. Sci Rep, 2017 Mar;7:44709). This amino acid position is well conserved in available vertebrate species. In addition, this alteration is predicted to be deleterious by in silico analysis. Since supporting evidence is limited at this time, the clinical significance of this alteration remains unclear.

GeneDx
Classification: Uncertain significance. Last evaluated: 2022-06-08. Review status: criteria provided, single submitter. Criteria: GeneDx Variant Classification Process June 2021. Collection method: clinical testing. Allele origin: germline. Affected: yes.
Comment: Not observed at significant frequency in large population cohorts (gnomAD); In silico analysis supports that this missense variant does not alter protein structure/function; Has not been previously published in association with TTR-related disorders to our knowledge; This variant is associated with the following publications: (PMID: 30683924)

Labcorp Genetics (formerly Invitae), Labcorp
Classification: Uncertain significance for Amyloidosis, hereditary systemic 1. Last evaluated: 2022-01-29. Review status: criteria provided, single submitter. Criteria: Invitae Variant Classification Sherloc (09022015). Collection method: clinical testing. Allele origin: germline.
Comment: This sequence change replaces alanine, which is neutral and non-polar, with valine, which is neutral and non-polar, at codon 128 of the TTR protein (p.Ala128Val). In summary, the available evidence is currently insufficient to determine the role of this variant in disease. Therefore, it has been classified as a Variant of Uncertain Significance. Advanced modeling of protein sequence and biophysical properties (such as structural, functional, and spatial information, amino acid conservation, physicochemical variation, residue mobility, and thermodynamic stability) performed at Invitae indicates that this missense variant is expected to disrupt TTR protein function. This variant has not been reported in the literature in individuals affected with TTR-related conditions. This variant is present in population databases (no rsID available, gnomAD 0.1%).

Literature cited by the submitters: PubMed 28338000 (cited by Athena Diagnostics and Ambry Genetics); PubMed 30683924 (cited by Athena Diagnostics); PubMed 35841533 (cited by Athena Diagnostics).